The following is an entry in ClinVar:

NM_000245.4(MET):c.1392+5G>C

Gene: MET (MET proto-oncogene, receptor tyrosine kinase; plus strand). Cytogenetic location: 7q31.2.
Variant type: single nucleotide variant.
Coding change: c.1392+5G>C on transcript NM_000245.4 (MANE Select); 5 bases into the intron after coding-DNA position 1392, G replaced by C.
Molecular consequence: intron variant.
Genome position (GRCh38, 1-based): chr7:116,731,864, G>C. VCF-style: chr7-116731864-G-C. GRCh37 (hg19) VCF-style: chr7-116371918-G-C.
Other names: c.1392+5G>C (NM_001127500.3, NM_001324401.3); c.102+5G>C (NM_001324402.2).
Identifiers: ClinVar variation 664409 (VCV000664409.11), dbSNP rs386833405, ClinGen allele CA577680511.

ClinVar aggregate classification (germline): Uncertain significance. Review status: criteria provided, multiple submitters, no conflicts (2 of 4 stars). 2 submissions from 2 submitters: Uncertain significance (2). Last evaluated 2025-09-08.

Conditions:
Hereditary cancer-predisposing syndrome. Also called: Tumor predisposition; Hereditary neoplastic syndrome; Neoplastic Syndromes, Hereditary; Hereditary Cancer Syndrome. Identifiers: Orphanet 140162, MedGen C0027672, MeSH D009386, MONDO:0015356.
Renal cell carcinoma. Identifiers: Orphanet 217071, MedGen C0007134, MeSH D002292, MONDO:0005086, HP:0005584.

Allele frequency attached by ClinVar (database versions not stated): gnomAD exomes below 0.00001 and 0.00004; gnomAD 0.00001; TOPMed 0.00001.
gnomAD v4.1: 59 of 1,613,716 alleles (0.0037%); highest among the groups gnomAD compares: Non-Finnish European, 0.0047%; no homozygotes.

Submissions (2):

Labcorp Genetics (formerly Invitae), Labcorp
Classification: Uncertain significance for Renal cell carcinoma. Last evaluated: 2025-09-08. Review status: criteria provided, single submitter. Criteria: Invitae Variant Classification Sherloc (09022015). Collection method: clinical testing. Allele origin: germline.
Comment: This sequence change falls in intron 3 of the MET gene. It does not directly change the encoded amino acid sequence of the MET protein. It affects a nucleotide within the consensus splice site. This variant is present in population databases (no rsID available, gnomAD 0.002%). This variant has not been reported in the literature in individuals affected with MET-related conditions. ClinVar contains an entry for this variant (Variation ID: 664409). Variants that disrupt the consensus splice site are a relatively common cause of aberrant splicing (PMID: 17576681, 9536098). Algorithms developed to predict the effect of sequence changes on RNA splicing suggest that this variant is not likely to affect RNA splicing. In summary, the available evidence is currently insufficient to determine the role of this variant in disease. Therefore, it has been classified as a Variant of Uncertain Significance.

Ambry Genetics
Classification: Uncertain significance for Hereditary cancer-predisposing syndrome. Last evaluated: 2025-04-08. Review status: criteria provided, single submitter. Criteria: Ambry Variant Classification Scheme 2023. Collection method: clinical testing. Allele origin: germline.
Comment: The c.1392+5G>C intronic variant results from a G to C substitution 5 nucleotides after coding exon 2 in the MET gene. In silico splice site analysis predicts that this alteration will not have any significant effect on splicing. This nucleotide position is poorly conserved in available vertebrate species. Since supporting evidence is limited at this time, the clinical significance of this alteration remains unclear.

Literature cited by the submitters: PubMed 17576681 (cited by Labcorp Genetics (formerly Invitae), Labcorp); PubMed 9536098 (cited by Labcorp Genetics (formerly Invitae), Labcorp).